The following is an entry in ClinVar:

NM_002069.6(GNAI1):c.826_827delinsTT (p.Glu276Leu)

Gene: GNAI1 (G protein subunit alpha i1; plus strand). Cytogenetic location: 7q21.11.
Variant type: Indel.
Coding change: c.826_827delinsTT on transcript NM_002069.6 (MANE Select); coding-DNA positions 826 to 827, GA replaced by TT.
Protein change: p.Glu276Leu; replaces glutamic acid 276 with leucine.
Molecular consequence: missense variant.
Genome position (GRCh38, 1-based): chr7:80,212,821-80,212,822, GA replaced by TT. VCF-style: chr7-80212821-GA-TT. GRCh37 (hg19) VCF-style: chr7-79842137-GA-TT.
Other names: c.670_671delinsTT, p.Glu224Leu (NM_001256414.2); short protein forms E224L, E276L.
Identifiers: ClinVar variation 1313008 (VCV001313008.2), dbSNP rs2115712787, ClinGen allele CA2573052923.

ClinVar aggregate classification (germline): Uncertain significance (1 of 4 stars; one submission).

Submission:

GeneDx
Classification: Uncertain significance. Last evaluated: 2020-07-13. Review status: criteria provided, single submitter. Criteria: GeneDx Variant Classification Process June 2021. Collection method: clinical testing. Allele origin: germline. Affected: yes.
Comment: Not observed in large population cohorts (Lek et al., 2016); In silico analysis supports a deleterious effect on protein structure/function; Has not been previously published as pathogenic or benign to our knowledge; Variants in candidate genes are classified as variants of uncertain significance in accordance with ACMG guidelines (Richards et al., 2015)